The following is an entry in ClinVar:

NM_004360.5(CDH1):c.1720G>T (p.Val574Phe)

Gene: CDH1 (cadherin 1; plus strand). Cytogenetic location: 16q22.1.
Variant type: single nucleotide variant.
Coding change: c.1720G>T on transcript NM_004360.5 (MANE Select); coding-DNA position 1720, G replaced by T.
Protein change: p.Val574Phe; replaces valine 574 with phenylalanine.
Molecular consequence: missense variant. On other transcripts: 5 prime UTR variant (1).
Genome position (GRCh38, 1-based): chr16:68,822,009, G>T. VCF-style: chr16-68822009-G-T. GRCh37 (hg19) VCF-style: chr16-68855912-G-T.
Other names: c.1537G>T, p.Val513Phe (NM_001317184.2); c.172G>T, p.Val58Phe (NM_001317185.2); c.-246G>T (NM_001317186.2); c.1720G>T (LRG_301t1); short protein forms V58F, V513F, V574F.
Identifiers: ClinVar variation 661897 (VCV000661897.9), dbSNP rs115934514, ClinGen allele CA8130144.
Genomic context (GRCh38, chr16:68,822,009, plus strand): 5'-GGGATTCATTACTGTTGCCAAGCTGCCACATTTTCTGTGTATTTTCTCTTAGGTTCTCCA[G>T]TTGCTACTGGAACAGGGACACTTCTGCTGATCCTGTCTGATGTGAATGACAACGCCCCCA-3'
Protein context (NP_004351.1, residues 564-584): LIIATDNGSP[Val574Phe]ATGTGTLLLI

ClinVar aggregate classification (germline): Uncertain significance (1 of 4 stars; one submission).

Conditions:
Hereditary diffuse gastric adenocarcinoma (HDGC). Also called: DIFFUSE GASTRIC AND LOBULAR BREAST CANCER SYNDROME. Identifiers: Orphanet 26106, MedGen C1708349, MONDO:0007648, OMIM 137215.

Allele frequency attached by ClinVar (database versions not stated): gnomAD exomes below 0.00001; ExAC 0.00001; gnomAD 0.00001; 1000 Genomes Project 30x 0.00016; 1000 Genomes Project 0.00020.
gnomAD v4.1: 1 of 1,613,924 alleles (0.000062%); highest among the groups gnomAD compares: African/African-American, 0.0013%; no homozygotes.

Submission:

Labcorp Genetics (formerly Invitae), Labcorp
Classification: Uncertain significance for Hereditary diffuse gastric adenocarcinoma. Last evaluated: 2024-01-24. Review status: criteria provided, single submitter. Criteria: Invitae Variant Classification Sherloc (09022015). Collection method: clinical testing. Allele origin: germline.
Comment: This sequence change replaces valine, which is neutral and non-polar, with phenylalanine, which is neutral and non-polar, at codon 574 of the CDH1 protein (p.Val574Phe). This variant is present in population databases (rs115934514, gnomAD 0.007%). This variant has not been reported in the literature in individuals affected with CDH1-related conditions. ClinVar contains an entry for this variant (Variation ID: 661897). An algorithm developed to predict the effect of missense changes on protein structure and function (PolyPhen-2) suggests that this variant is likely to be tolerated. In summary, the available evidence is currently insufficient to determine the role of this variant in disease. Therefore, it has been classified as a Variant of Uncertain Significance.